The following is an entry in ClinVar:

NM_006059.4(LAMC3):c.1552G>A (p.Gly518Ser)

Gene: LAMC3 (laminin subunit gamma 3; plus strand). Cytogenetic location: 9q34.12.
Variant type: single nucleotide variant.
Coding change: c.1552G>A on transcript NM_006059.4 (MANE Select); coding-DNA position 1552, G replaced by A.
Protein change: p.Gly518Ser; replaces glycine 518 with serine.
Molecular consequence: missense variant.
Genome position (GRCh38, 1-based): chr9:131,049,052, G>A. VCF-style: chr9-131049052-G-A. GRCh37 (hg19) VCF-style: chr9-133924439-G-A.
Other names: short protein forms G518S.
Identifiers: ClinVar variation 1384837 (VCV001384837.5), dbSNP rs2133274430, ClinGen allele CA375263137.
Genomic context (GRCh38, chr9:131,049,052, plus strand): 5'-TCGGGGGGTGTCTGTGTTTGCTGTCTAGGAGCCGAAGGCTGGTGGGCCAGAAGTGTGGGG[G>A]GCTCTGAGCACCCCCCACAATGGAGCCCAAATGGGGTCCTCCTGAGCCCAGAAGACGAGG-3'
Protein context (NP_006050.3, residues 508-528): AEGWWARSVG[Gly518Ser]SEHPPQWSPN

ClinVar aggregate classification (germline): Uncertain significance (1 of 4 stars; one submission).

Submission:

Labcorp Genetics (formerly Invitae), Labcorp
Classification: Uncertain significance. Last evaluated: 2022-02-05. Review status: criteria provided, single submitter. Criteria: Invitae Variant Classification Sherloc (09022015). Collection method: clinical testing. Allele origin: germline.
Comment: In summary, the available evidence is currently insufficient to determine the role of this variant in disease. Therefore, it has been classified as a Variant of Uncertain Significance. Algorithms developed to predict the effect of missense changes on protein structure and function output the following: SIFT: "Tolerated"; PolyPhen-2: "Benign"; Align-GVGD: "Class C0". The serine amino acid residue is found in multiple mammalian species, which suggests that this missense change does not adversely affect protein function. This variant has not been reported in the literature in individuals affected with LAMC3-related conditions. This variant is not present in population databases (gnomAD no frequency). This sequence change replaces glycine, which is neutral and non-polar, with serine, which is neutral and polar, at codon 518 of the LAMC3 protein (p.Gly518Ser).